The following is an entry in ClinVar:

NM_022041.4(GAN):c.1565C>T (p.Ala522Val)

Gene: GAN (gigaxonin; plus strand). Cytogenetic location: 16q23.2.
Variant type: single nucleotide variant.
Coding change: c.1565C>T on transcript NM_022041.4 (MANE Select); coding-DNA position 1565, C replaced by T.
Protein change: p.Ala522Val; replaces alanine 522 with valine.
Molecular consequence: missense variant.
Genome position (GRCh38, 1-based): chr16:81,377,281, C>T. VCF-style: chr16-81377281-C-T. GRCh37 (hg19) VCF-style: chr16-81410886-C-T.
Other names: c.926C>T, p.Ala309Val (NM_001377486.1); short protein forms A309V, A522V.
Identifiers: ClinVar variation 968199 (VCV000968199.9), dbSNP rs1904284654, ClinGen allele CA396892143.

ClinVar aggregate classification (germline): Uncertain significance (1 of 4 stars; one submission).

Conditions:
Giant axonal neuropathy 1 (GAN1). Also called: GAN-Related Neurodegeneration; GIANT AXONAL NEUROPATHY 1, AUTOSOMAL RECESSIVE. Identifiers: Orphanet 643, MedGen C1850386, MONDO:0009749, OMIM 256850.

Submission:

Labcorp Genetics (formerly Invitae), Labcorp
Classification: Uncertain significance for Giant axonal neuropathy 1. Last evaluated: 2024-11-18. Review status: criteria provided, single submitter. Criteria: Invitae Variant Classification Sherloc (09022015). Collection method: clinical testing. Allele origin: germline.
Comment: This sequence change replaces alanine, which is neutral and non-polar, with valine, which is neutral and non-polar, at codon 522 of the GAN protein (p.Ala522Val). This variant is not present in population databases (gnomAD no frequency). This variant has not been reported in the literature in individuals affected with GAN-related conditions. ClinVar contains an entry for this variant (Variation ID: 968199). An algorithm developed to predict the effect of missense changes on protein structure and function (PolyPhen-2) suggests that this variant is likely to be tolerated. In summary, the available evidence is currently insufficient to determine the role of this variant in disease. Therefore, it has been classified as a Variant of Uncertain Significance.